The following is an entry in ClinVar:

NM_007294.4(BRCA1):c.1582A>G (p.Thr528Ala)

Gene: BRCA1 (BRCA1 DNA repair associated; minus strand). Cytogenetic location: 17q21.31.
Variant type: single nucleotide variant.
Coding change: c.1582A>G on transcript NM_007294.4 (MANE Select); coding-DNA position 1582, A replaced by G.
Protein change: p.Thr528Ala; replaces threonine 528 with alanine.
Molecular consequence: missense variant. On other transcripts: intron variant (137).
Genome position (GRCh38, 1-based): chr17:43,093,949, T>C on the plus strand (A>G on the coding strand, the complement: BRCA1 is on the minus strand). VCF-style: chr17-43093949-T-C. GRCh37 (hg19) VCF-style: chr17-41245966-T-C.
Other names: c.523+795A>G (NM_001408496.1, NM_001408498.1, NM_001408501.1 and 3 more transcripts); c.646+795A>G (NM_001408460.1, NM_001408454.1, NM_001408458.1 and 11 more transcripts); c.706+795A>G (NM_001408413.1, NM_001408416.1); c.586+795A>G (NM_001408476.1, NM_001408474.1); c.709+795A>G (NM_001408409.1, NM_001408412.1, NM_001408414.1 and 2 more transcripts); c.574+795A>G (NM_001408493.1, NM_001408490.1, NM_001408491.1); c.577+795A>G (NM_001408479.1, NM_001408489.1, NM_001408481.1 and 9 more transcripts); c.661+795A>G (NM_001408445.1, NM_001408432.1, NM_001408446.1 and 6 more transcripts); and 40 more; short protein forms T401A, T416A, T417A, T439A, T440A, T458A, T480A, T481A.
Identifiers: ClinVar variation 3825314 (VCV003825314.1).

ClinVar aggregate classification (germline): Uncertain significance (1 of 4 stars; one submission).

Conditions:
Hereditary cancer-predisposing syndrome. Also called: Hereditary neoplastic syndrome; Neoplastic Syndromes, Hereditary; Tumor predisposition; Hereditary Cancer Syndrome. Identifiers: Orphanet 140162, MedGen C0027672, MeSH D009386, MONDO:0015356.

Submission:

Ambry Genetics
Classification: Uncertain significance for Hereditary cancer-predisposing syndrome. Last evaluated: 2025-02-28. Review status: criteria provided, single submitter. Criteria: Ambry Variant Classification Scheme 2023. Collection method: clinical testing. Allele origin: germline.
Comment: The p.T528A variant (also known as c.1582A>G), located in coding exon 9 of the BRCA1 gene, results from an A to G substitution at nucleotide position 1582. The threonine at codon 528 is replaced by alanine, an amino acid with similar properties. This amino acid position is not well conserved in available vertebrate species. In addition, the in silico prediction for this alteration is inconclusive. Based on the available evidence, the clinical significance of this variant remains unclear.